The following is an entry in ClinVar:

NM_024642.5(GALNT12):c.23G>A (p.Arg8Gln)

Gene: GALNT12 (polypeptide N-acetylgalactosaminyltransferase 12; plus strand). Cytogenetic location: 9q22.33.
Variant type: single nucleotide variant.
Coding change: c.23G>A on transcript NM_024642.5 (MANE Select); coding-DNA position 23, G replaced by A.
Protein change: p.Arg8Gln; replaces arginine 8 with glutamine.
Molecular consequence: missense variant.
Genome position (GRCh38, 1-based): chr9:98,807,721, G>A. VCF-style: chr9-98807721-G-A. GRCh37 (hg19) VCF-style: chr9-101570003-G-A.
Other names: short protein forms R8Q.
Identifiers: ClinVar variation 5022159 (VCV005022159.1).

ClinVar aggregate classification (germline): Uncertain significance (1 of 4 stars; one submission).

Submission:

Ambry Genetics
Classification: Uncertain significance. Last evaluated: 2026-09-06. Review status: criteria provided, single submitter. Criteria: Ambry Variant Classification Scheme 2023. Collection method: clinical testing. Allele origin: germline.
Comment: The p.R8Q variant (also known as c.23G>A), located in coding exon 1 of the GALNT12 gene, results from a G to A substitution at nucleotide position 23. The arginine at codon 8 is replaced by glutamine, an amino acid with highly similar properties. This amino acid position is conserved. In addition, this alteration is predicted to be tolerated by in silico analysis. Based on the available evidence, the clinical significance of this variant remains unclear.